The following is an entry in ClinVar:

ClinVar aggregate classification (germline): Uncertain significance (1 of 4 stars; one submission).

Conditions:
Hereditary cancer-predisposing syndrome. Also called: Neoplastic Syndromes, Hereditary; Tumor predisposition; Hereditary Cancer Syndrome; Hereditary neoplastic syndrome. Identifiers: Orphanet 140162, MedGen C0027672, MeSH D009386, MONDO:0015356.

Submission:

Ambry Genetics
Classification: Uncertain significance for Hereditary cancer-predisposing syndrome. Last evaluated: 2021-06-28. Review status: criteria provided, single submitter. Criteria: Ambry Variant Classification Scheme 2023. Collection method: clinical testing. Allele origin: germline.
Comment: The c.354-4A>G intronic variant results from an A to G substitution 4 nucleotides upstream from coding exon 5 in the PMS2 gene. This nucleotide position is not well conserved in available vertebrate species. In silico splice site analysis predicts that this alteration will not have any significant effect on splicing. Since supporting evidence is limited at this time, the clinical significance of this alteration remains unclear.

NM_000535.7(PMS2):c.354-4A>G

Gene: PMS2 (PMS1 homolog 2, mismatch repair system component; minus strand). Cytogenetic location: 7p22.1.
Variant type: single nucleotide variant.
Coding change: c.354-4A>G on transcript NM_000535.7 (MANE Select); 4 bases into the intron before coding-DNA position 354, A replaced by G.
Molecular consequence: intron variant. On other transcripts: missense variant (9).
Genome position (GRCh38, 1-based): chr7:6,002,640, T>C on the plus strand (A>G on the coding strand, the complement: PMS2 is on the minus strand). VCF-style: chr7-6002640-T-C. GRCh37 (hg19) VCF-style: chr7-6042271-T-C.
Other names: c.-52-4A>G (NM_001322005.2, NM_001322010.2, NM_001322004.2 and 3 more transcripts); c.41A>G, p.His14Arg (NM_001322015.2, NM_001406875.1, NM_001406877.1 and 6 more transcripts); c.36-4A>G (NM_001322008.2, NM_001322007.2); c.-531-4A>G (NM_001322012.2, NM_001322011.2); c.354-4A>G (NM_001322006.2, NM_001322014.2); short protein forms H14R.
Identifiers: ClinVar variation 1732508 (VCV001732508.2), dbSNP rs2128819518, ClinGen allele CA2580077010.